The following is an entry in ClinVar:

NC_000007.14:g.156764218T>A

Genes: LMBR1 (limb development membrane protein 1; minus strand), SHH (sonic hedgehog signaling molecule; minus strand). Cytogenetic location: 7q36.3.
Variant type: single nucleotide variant.
Molecular consequence: intron variant (on NM_022458.4).
Genome position: GRCh38 VCF-style: chr7-156764218-T-A. GRCh37 (hg19) VCF-style: chr7-156556912-T-A.
Other names: c.361-423A>T (NM_001363412.2); c.145-423A>T (NM_001350954.2); c.424-423A>T (NM_001363410.2, NM_022458.4, NM_001363409.2 and 1 more transcripts); c.-33-423A>T (NM_001350958.2, NM_001350956.2, NM_001350955.2 and 1 more transcripts); c.55-423A>T (NM_001350957.2, NM_001363411.2).
Identifiers: ClinVar variation 2867382 (VCV002867382.3), dbSNP rs370084574, ClinGen allele CA169820378.

ClinVar aggregate classification (germline): Uncertain significance (1 of 4 stars; one submission).

Conditions:
Holoprosencephaly 3 (HPE3). Identifiers: Orphanet 2162, MedGen C1840529, MONDO:0007733, OMIM 142945.

Allele frequency attached by ClinVar (database versions not stated): 1000 Genomes Project 0.00120; 1000 Genomes Project 30x 0.00125; TOPMed 0.00010.
gnomAD v4.1: 21 of 152,296 alleles (0.014%); highest among the groups gnomAD compares: East Asian, 0.31%; no homozygotes.

Submission:

Labcorp Genetics (formerly Invitae), Labcorp
Classification: Uncertain significance for Holoprosencephaly 3. Last evaluated: 2025-12-03. Review status: criteria provided, single submitter. Criteria: Invitae Variant Classification Sherloc (09022015). Collection method: clinical testing. Allele origin: germline.
Comment: This variant occurs in a non-coding region of the SHH gene. It does not change the encoded amino acid sequence of the SHH protein. This variant is present in population databases (rs370084574, gnomAD 0.2%). This variant has not been reported in the literature in individuals affected with SHH-related conditions. Experimental studies and prediction algorithms are not available or were not evaluated, and the effect of this variant on mRNA splicing is currently unknown. In summary, the available evidence is currently insufficient to determine the role of this variant in disease. Therefore, it has been classified as a Variant of Uncertain Significance.